The following is an entry in ClinVar:

ClinVar aggregate classification (germline): Likely pathogenic (1 of 4 stars; one submission).

Conditions:
Joubert syndrome. Also called: CEREBELLOPARENCHYMAL DISORDER IV; JOUBERT-BOLTSHAUSER SYNDROME; Familial aplasia of the vermis. Identifiers: Orphanet 475, MedGen C5979921, MONDO:0018772.
Meckel-Gruber syndrome. Also called: DYSENCEPHALIA SPLANCHNOCYSTICA; GRUBER SYNDROME; Dysencephalia splachnocystica. Identifiers: Orphanet 564, MedGen C0265215, MONDO:0018921.

Submission:

Labcorp Genetics (formerly Invitae), Labcorp
Classification: Likely pathogenic for Joubert syndrome; Meckel-Gruber syndrome. Last evaluated: 2023-06-04. Review status: criteria provided, single submitter. Criteria: Invitae Variant Classification Sherloc (09022015). Collection method: clinical testing. Allele origin: unknown.
Comment: In summary, the currently available evidence indicates that the variant is pathogenic, but additional data are needed to prove that conclusively. Therefore, this variant has been classified as Likely Pathogenic. This variant has not been reported in the literature in individuals affected with CC2D2A-related conditions. This variant results in a copy number gain of the genomic region encompassing exon(s) 5 of the CC2D2A gene. While the exact position of this variant cannot be determined from the data, sub-genic copy number gains are generally in tandem (PMID: 25640679). This variant is predicted to be out-of-frame, and may result in an absent or disrupted protein product. Loss-of-function variants in CC2D2A are known to be pathogenic (PMID: 19777577).

Literature cited by the submitters: PubMed 25640679; PubMed 19777577.

NC_000004.11:g.(?_15482308)_(15482471_?)dup

Gene: CC2D2A (coiled-coil and C2 domain containing 2A; plus strand). Cytogenetic location: 4p15.32.
Variant type: Duplication.
Identifiers: ClinVar variation 3246617 (VCV003246617.1).